The following is an entry in ClinVar:

NM_130837.3(OPA1):c.1754+3A>T

Gene: OPA1 (OPA1 mitochondrial dynamin like GTPase; plus strand). Cytogenetic location: 3q29.
Variant type: single nucleotide variant.
Coding change: c.1754+3A>T on transcript NM_130837.3 (MANE Select); 3 bases into the intron after coding-DNA position 1754, A replaced by T.
Molecular consequence: intron variant.
Genome position (GRCh38, 1-based): chr3:193,645,803, A>T. VCF-style: chr3-193645803-A-T. GRCh37 (hg19) VCF-style: chr3-193363592-A-T.
Other names: c.1217+3A>T (NM_001354664.2); c.1220+3A>T (NM_001354663.2); c.1643+3A>T (NM_130834.3); c.1700+3A>T (NM_130836.3); c.1589+3A>T (NM_015560.3); c.1646+3A>T (NM_130835.3); c.1535+3A>T (NM_130832.3); c.1592+3A>T (NM_130833.3); and 1 more.
Identifiers: ClinVar variation 2102728 (VCV002102728.5), dbSNP rs752337536, ClinGen allele CA2759468.

ClinVar aggregate classification (germline): Uncertain significance (1 of 4 stars; one submission).

Allele frequency attached by ClinVar (database versions not stated): ExAC 0.00001.

Submissions (2):

Labcorp Genetics (formerly Invitae), Labcorp
Classification: Uncertain significance. Last evaluated: 2026-01-12. Review status: criteria provided, single submitter. Criteria: Invitae Variant Classification Sherloc (09022015). Collection method: clinical testing. Allele origin: germline.
Comment: This sequence change falls in intron 16 of the OPA1 gene. It does not directly change the encoded amino acid sequence of the OPA1 protein. It affects a nucleotide within the consensus splice site. This variant is not present in population databases (gnomAD no frequency). This variant has not been reported in the literature in individuals affected with OPA1-related conditions. ClinVar contains an entry for this variant (Variation ID: 2102728). Variants that disrupt the consensus splice site are a relatively common cause of aberrant splicing (PMID: 17576681, 9536098). Algorithms developed to predict the effect of sequence changes on RNA splicing suggest that this variant may disrupt the consensus splice site. In summary, the available evidence is currently insufficient to determine the role of this variant in disease. Therefore, it has been classified as a Variant of Uncertain Significance.

Dr. Peter K. Rogan Lab, Western University
No classification provided (evidence only). Condition: Colon adenocarcinoma. Review status: no classification provided. Collection method: in vitro. Allele origin: not applicable. Functional consequence: skipped exon, retained intron. Not counted in ClinVar's aggregate classification.

Literature cited by the submitters: PubMed 17576681 (cited by Labcorp Genetics (formerly Invitae), Labcorp); PubMed 9536098 (cited by Labcorp Genetics (formerly Invitae), Labcorp).